The following is an entry in ClinVar:

ClinVar aggregate classification (germline): Uncertain significance (1 of 4 stars; one submission).

Allele frequency attached by ClinVar (database versions not stated): ExAC 0.00002.
gnomAD v4.1: 12 of 1,614,226 alleles (0.00074%); highest among the groups gnomAD compares: South Asian, 0.011%; no homozygotes.

Submission:

Labcorp Genetics (formerly Invitae), Labcorp
Classification: Uncertain significance. Last evaluated: 2022-05-21. Review status: criteria provided, single submitter. Criteria: Invitae Variant Classification Sherloc (09022015). Collection method: clinical testing. Allele origin: germline.
Comment: In summary, the available evidence is currently insufficient to determine the role of this variant in disease. Therefore, it has been classified as a Variant of Uncertain Significance. Algorithms developed to predict the effect of missense changes on protein structure and function are either unavailable or do not agree on the potential impact of this missense change (SIFT: "Tolerated"; PolyPhen-2: "Possibly Damaging"; Align-GVGD: "Class C0"). This variant has not been reported in the literature in individuals affected with NSUN2-related conditions. This variant is present in population databases (rs772720849, gnomAD 0.01%). This sequence change replaces asparagine, which is neutral and polar, with serine, which is neutral and polar, at codon 693 of the NSUN2 protein (p.Asn693Ser).

NM_017755.6(NSUN2):c.2078A>G (p.Asn693Ser)

Gene: NSUN2 (NOP2/Sun RNA methyltransferase 2; minus strand). Cytogenetic location: 5p15.31.
Variant type: single nucleotide variant.
Coding change: c.2078A>G on transcript NM_017755.6 (MANE Select); coding-DNA position 2078, A replaced by G.
Protein change: p.Asn693Ser; replaces asparagine 693 with serine.
Molecular consequence: missense variant. On other transcripts: non-coding transcript variant (1).
Genome position (GRCh38, 1-based): chr5:6,600,152, T>C on the plus strand (A>G on the coding strand, the complement: NSUN2 is on the minus strand). VCF-style: chr5-6600152-T-C. GRCh37 (hg19) VCF-style: chr5-6600265-T-C.
Other names: c.1973A>G, p.Asn658Ser (NM_001193455.2); short protein forms N658S, N693S.
Identifiers: ClinVar variation 1906867 (VCV001906867.5), dbSNP rs772720849, ClinGen allele CA3192188.
Genomic context (GRCh38, chr5:6,600,152, plus strand): 5'-TCCTTCTTCTTTTCTCCCAATACCTCCAGCCCCATCATCCTGAGATAATGAAGCCGTTCA[T>C]TCTTGGGCACAAAAGTTCGAATGGAGGCCTTTCCCCGCCATCCGCATAAGACGATGGGAC-3'
Protein context (NP_060225.4, residues 683-703): KASIRTFVPK[Asn693Ser]ERLHYLRMMG